The following is an entry in ClinVar:

NM_032383.5(HPS3):c.2103_2104AG[3] (p.Met703fs)

Gene: HPS3 (HPS3 biogenesis of lysosomal organelles complex 2 subunit 1; plus strand). Cytogenetic location: 3q24.
Variant type: Microsatellite.
Coding change: c.2103_2104AG[3] on transcript NM_032383.5 (MANE Select).
Protein change: p.Met703fs; shifts the reading frame from methionine 703.
Molecular consequence: frameshift variant.
Genome position: GRCh38 VCF-style: chr3-149160275-C-CAG. GRCh37 (hg19) VCF-style: chr3-148878062-C-CAG.
Other names: c.1608_1609AG[3], p.Met538fs (NM_001308258.2); short protein forms M703fs, M538fs.
Identifiers: ClinVar variation 2030093 (VCV002030093.4), dbSNP rs2473114250, ClinGen allele CA2580615991.
Genomic context (GRCh38, chr3:149,160,275, plus strand): 5'-CAGCAGTGGCTCTGAAAATGGGAGATCTTGACATGCACAGAAATGAAATGAAAAGCCATT[C>CAG]AGAGGTATGGAGCTCTGCCCGGTGCTAACAGAAGGCTGAAATAGGACCTGGTAATCCTGA-3'

ClinVar aggregate classification (germline): Pathogenic (1 of 4 stars; one submission).

Submission:

Labcorp Genetics (formerly Invitae), Labcorp
Classification: Pathogenic. Last evaluated: 2023-04-05. Review status: criteria provided, single submitter. Criteria: Invitae Variant Classification Sherloc (09022015). Collection method: clinical testing. Allele origin: germline.
Comment: This variant has not been reported in the literature in individuals affected with HPS3-related conditions. For these reasons, this variant has been classified as Pathogenic. This variant is not present in population databases (gnomAD no frequency). This sequence change creates a premature translational stop signal (p.Met703Argfs*2) in the HPS3 gene. It is expected to result in an absent or disrupted protein product. Loss-of-function variants in HPS3 are known to be pathogenic (PMID: 11590544).

Literature cited by the submitters: PubMed 11590544.